The following is an entry in ClinVar:

NM_005219.5(DIAPH1):c.*1364T>C

Gene: DIAPH1 (diaphanous related formin 1; minus strand). Cytogenetic location: 5q31.3.
Variant type: single nucleotide variant.
Coding change: c.*1364T>C on transcript NM_005219.5 (MANE Select); 1364 bases downstream of the stop codon, T replaced by C.
Molecular consequence: 3 prime UTR variant.
Genome position (GRCh38, 1-based): chr5:141,515,487, A>G on the plus strand (T>C on the coding strand, the complement: DIAPH1 is on the minus strand). VCF-style: chr5-141515487-A-G. GRCh37 (hg19) VCF-style: chr5-140895054-A-G.
Other names: c.*1364T>C (NM_001079812.3); c.*1483T>C (NM_001314007.2).
Identifiers: ClinVar variation 351264 (VCV000351264.5), dbSNP rs116342492, ClinGen allele CA10622900.

ClinVar aggregate classification (germline): Benign (1 of 4 stars; one submission).

Conditions:
Autosomal dominant nonsyndromic hearing loss 1. Also called: KONIGSMARK SYNDROME; DEAFNESS, AUTOSOMAL DOMINANT 1, WITH OR WITHOUT THROMBOCYTOPENIA. Identifiers: Orphanet 90635, MedGen C1852282, MONDO:0007424, OMIM 124900.

Allele frequency attached by ClinVar (database versions not stated): 1000 Genomes Project 0.00998; gnomAD 0.01079 and 0.01140; 1000 Genomes Project 30x 0.01124; TOPMed 0.01191.

Submission:

Illumina Laboratory Services, Illumina
Classification: Benign for Autosomal dominant nonsyndromic hearing loss 1. Last evaluated: 2018-01-13. Review status: criteria provided, single submitter. Criteria: ICSL Variant Classification Criteria 13 December 2019. Collection method: clinical testing. Allele origin: germline.
Comment: This variant was observed in the ICSL laboratory as part of a predisposition screen in an ostensibly healthy population. It had not been previously curated by ICSL or reported in the Human Gene Mutation Database (HGMD: prior to June 1st, 2018), and was therefore a candidate for classification through an automated scoring system. Utilizing variant allele frequency, disease prevalence and penetrance estimates, and inheritance mode, an automated score was calculated to assess if this variant is too frequent to cause the disease. Based on the score and internal cut-off values, a variant classified as benign is not then subjected to further curation. The score for this variant resulted in a classification of benign for this disease.